The following is an entry in ClinVar:

ClinVar aggregate classification (germline): Uncertain significance (1 of 4 stars; one submission).

gnomAD v4.1: 8 of 1,581,086 alleles (0.00051%); highest among the groups gnomAD compares: South Asian, 0.0023%; no homozygotes.

Submission:

GeneDx
Classification: Uncertain significance. Last evaluated: 2025-05-18. Review status: criteria provided, single submitter. Criteria: GeneDx Variant Classification Process June 2021. Collection method: clinical testing. Allele origin: germline. Affected: yes.
Comment: Not observed at significant frequency in large population cohorts (gnomAD); Has not been previously published as pathogenic or benign to our knowledge; Reported using an alternate transcript of the gene; In silico analysis does not support a benign or deleterious effect of this variant on protein structure/function

NM_001305625.2(CALM2):c.-106+315G>T

Gene: CALM2 (calmodulin 2; minus strand). Cytogenetic location: 2p21.
Variant type: single nucleotide variant.
Coding change: c.-106+315G>T on transcript NM_001305625.2; 315 bases into the intron after 106 bases upstream of the start codon, G replaced by T.
Molecular consequence: intron variant. On other transcripts: missense variant (1).
Genome position (GRCh38, 1-based): chr2:47,176,534, C>A on the plus strand (G>T on the coding strand, the complement: CALM2 is on the minus strand). VCF-style: chr2-47176534-C-A. GRCh37 (hg19) VCF-style: chr2-47403673-C-A.
Other names: c.8G>T, p.Arg3Leu (NM_001305624.1); short protein forms R3L.
Identifiers: ClinVar variation 4530807 (VCV004530807.1).
Genomic context (GRCh38, chr2:47,176,534, plus strand): 5'-ACCACACAACCACTCAGCTCGCTCTCTCCACTCGGACTAATTCGCCTCCTCCGCCCCCAG[C>A]GCCTCATAAACACCTCCCTCCGCCAGATCCCTCCGCCGCATCCAGATAACGGAACATCGC-3'